The following is an entry in ClinVar:

ClinVar aggregate classification (germline): Conflicting classifications of pathogenicity. Review status: criteria provided, conflicting classifications (1 of 4 stars). 10 submissions from 9 submitters: Uncertain significance (6); Likely benign (2). 2 of the submissions do not count toward it. Last evaluated 2025-07-14.

Conditions:
Retinitis pigmentosa 51 (RP51). Identifiers: Orphanet 791, MedGen C3150715, MONDO:0013274, OMIM 613464.
Bardet-Biedl syndrome 8 (BBS8). Identifiers: Orphanet 110, MedGen C1859566, MONDO:0014436, OMIM 615985.
Retinitis pigmentosa (RP). Identifiers: Orphanet 791, MedGen C0035334, MeSH D012174, MONDO:0019200, OMIM 268000. Inheritance: Autosomal dominant, autosomal recessive and X linked inheritance.
TTC8-related disorder. Also called: TTC8-related condition.
Inborn genetic diseases. Identifiers: MedGen C0950123, MeSH D030342.
Macular dystrophy. Identifiers: MedGen C0730292, HP:0007754.
Bardet-Biedl syndrome (BBS). Identifiers: Orphanet 110, MedGen C0752166, MONDO:0015229.

Allele frequency attached by ClinVar (database versions not stated): gnomAD 0.00064 and 0.00061; gnomAD exomes 0.00072; ExAC 0.00075; ESP Exome Variant Server 0.00062; 1000 Genomes Project 30x 0.00047; TOPMed 0.00055; 1000 Genomes Project 0.00020.
gnomAD v4.1: 1,684 of 1,613,830 alleles (0.1%); highest among the groups gnomAD compares: Non-Finnish European, 0.13%; 2 homozygotes.

Submissions (10):

Women's Health and Genetics/Laboratory Corporation of America, LabCorp
Classification: Uncertain significance. Last evaluated: 2025-07-14. Review status: criteria provided, single submitter. Criteria: LabCorp Variant Classification Summary - May 2015. Collection method: clinical testing. Allele origin: germline.
Comment: Variant summary: TTC8 c.1297C>T (p.Arg433Trp) results in a non-conservative amino acid change in the encoded protein sequence. Algorithms developed to predict the effect of missense changes on protein structure and function all suggest that this variant is likely to be disruptive. The variant allele was found at a frequency of 0.00072 in 251272 control chromosomes. The observed variant frequency is approximately 1.7-fold of the estimated maximal expected allele frequency for a pathogenic variant in TTC8 causing Bardet-Biedl Syndrome phenotype (0.00044). c.1297C>T has been observed in an individual affected retinitis pigmentosa carrying alternate ABCA4 variants, in an individual affected with blindness with a non-informative genotype, and in a heterozygous individual affected with Bardet-Biedl Syndrome without second variant reported (e.g. Diniero_2020, Wang_2014, Zacchia_2021). These report(s) do not provide unequivocal conclusions about association of the variant with Bardet-Biedl Syndrome. To our knowledge, no experimental evidence demonstrating an impact on protein function has been reported. The following publications have been ascertained in the context of this evaluation (PMID: 32483926, 25097241, 33964006). ClinVar contains an entry for this variant (Variation ID: 531831). Based on the evidence outlined above, the variant was classified as VUS-possibly benign.

Blueprint Genetics
Classification: Likely benign. Last evaluated: 2024-11-27. Review status: criteria provided, single submitter. Criteria: ACMG Guidelines, 2015. Collection method: clinical testing. Allele origin: germline.

Labcorp Genetics (formerly Invitae), Labcorp
Classification: Uncertain significance for Bardet-Biedl syndrome. Last evaluated: 2024-01-19. Review status: criteria provided, single submitter. Criteria: Invitae Variant Classification Sherloc (09022015). Collection method: clinical testing. Allele origin: germline.
Comment: This sequence change replaces arginine, which is basic and polar, with tryptophan, which is neutral and slightly polar, at codon 433 of the TTC8 protein (p.Arg433Trp). This variant is present in population databases (rs140698625, gnomAD 0.2%), and has an allele count higher than expected for a pathogenic variant. This missense change has been observed in individual(s) with clinical features of inherited retinal disease (PMID: 25097241, 30718709, 33964006). This variant is also known as c.C733T, p.R245W. ClinVar contains an entry for this variant (Variation ID: 531831). Advanced modeling of protein sequence and biophysical properties (such as structural, functional, and spatial information, amino acid conservation, physicochemical variation, residue mobility, and thermodynamic stability) performed at Invitae indicates that this missense variant is not expected to disrupt TTC8 protein function with a negative predictive value of 80%. In summary, the available evidence is currently insufficient to determine the role of this variant in disease. Therefore, it has been classified as a Variant of Uncertain Significance.

Ambry Genetics
Classification: Likely benign for Inborn genetic diseases. Last evaluated: 2021-12-17. Review status: criteria provided, single submitter. Criteria: Ambry Variant Classification Scheme 2023. Collection method: clinical testing. Allele origin: germline.

New York Genome Center
Classification: Uncertain significance for Bardet-Biedl syndrome 8. Last evaluated: 2021-10-26. Review status: criteria provided, single submitter. Criteria: NYGC Assertion Criteria 2020. Collection method: clinical testing. Allele origin: germline. Observed: 1 heterozygote.

Fulgent Genetics
Classification: Uncertain significance for Retinitis pigmentosa 51; Bardet-Biedl syndrome 8. Last evaluated: 2018-10-31. Review status: criteria provided, single submitter. Criteria: ACMG Guidelines, 2015. Collection method: clinical testing. Allele origin: unknown.

Illumina Laboratory Services, Illumina
Classification: Uncertain significance for Retinitis pigmentosa. Last evaluated: 2018-01-13. Review status: criteria provided, single submitter. Criteria: ICSL Variant Classification Criteria 13 December 2019. Collection method: clinical testing. Allele origin: germline.

Illumina Laboratory Services, Illumina
Classification: Uncertain significance for Bardet-Biedl syndrome 8. Last evaluated: 2018-01-13. Review status: criteria provided, single submitter. Criteria: ICSL Variant Classification Criteria 13 December 2019. Collection method: clinical testing. Allele origin: germline.

PreventionGenetics, part of Exact Sciences
Classification: Likely benign for TTC8-related condition. Last evaluated: 2022-07-05. Review status: no assertion criteria provided. Collection method: clinical testing. Allele origin: germline. Not counted in ClinVar's aggregate classification.
Comment: This variant is classified as likely benign based on ACMG/AMP sequence variant interpretation guidelines (Richards et al. 2015 PMID: 25741868, with internal and published modifications).

Department of Clinical Genetics, Copenhagen University Hospital, Rigshospitalet
Classification: Likely pathogenic for Macular dystrophy. Last evaluated: 2018-04-01. Review status: no assertion criteria provided. Collection method: research. Allele origin: unknown. Affected: yes. Study: VeluxRD. Not counted in ClinVar's aggregate classification.

Literature cited by the submitters: PubMed 25097241 (cited by 3 submitters); PubMed 33964006 (cited by Women's Health and Genetics/Laboratory Corporation of America, LabCorp and Labcorp Genetics (formerly Invitae), Labcorp); PubMed 32483926 (cited by Women's Health and Genetics/Laboratory Corporation of America, LabCorp); PubMed 30718709 (cited by Labcorp Genetics (formerly Invitae), Labcorp and Department of Clinical Genetics, Copenhagen University Hospital, Rigshospitalet).

NM_144596.4(TTC8):c.1327C>T (p.Arg443Trp)

Gene: TTC8 (tetratricopeptide repeat domain 8; plus strand). Cytogenetic location: 14q31.3.
Variant type: single nucleotide variant.
Coding change: c.1327C>T on transcript NM_144596.4 (MANE Select); coding-DNA position 1327, C replaced by T.
Protein change: p.Arg443Trp; replaces arginine 443 with tryptophan.
Molecular consequence: missense variant. On other transcripts: non-coding transcript variant (1).
Genome position (GRCh38, 1-based): chr14:88,872,432, C>T. VCF-style: chr14-88872432-C-T. GRCh37 (hg19) VCF-style: chr14-89338776-C-T.
Other names: c.1327C>T (NM_144596.3); c.1375C>T, p.Arg459Trp (NM_001288781.1); c.733C>T, p.Arg245Trp (NM_001288782.1); c.610C>T, p.Arg204Trp (NM_001288783.1); c.1297C>T, p.Arg433Trp (NM_001366535.2, NM_198309.3); c.1207C>T, p.Arg403Trp (NM_001366536.2, NM_198310.3); short protein forms R443W, R433W, R204W, R459W, R245W, R403W.
Identifiers: ClinVar variation 531831 (VCV000531831.19), dbSNP rs140698625, ClinGen allele CA7302713.